The following is an entry in ClinVar:

NM_000018.4(ACADVL):c.769G>A (p.Asp257Asn)

Gene: ACADVL (acyl-CoA dehydrogenase very long chain; plus strand). Cytogenetic location: 17p13.1.
Variant type: single nucleotide variant.
Coding change: c.769G>A on transcript NM_000018.4 (MANE Select); coding-DNA position 769, G replaced by A.
Protein change: p.Asp257Asn; replaces aspartic acid 257 with asparagine.
Molecular consequence: missense variant.
Genome position (GRCh38, 1-based): chr17:7,222,193, G>A. VCF-style: chr17-7222193-G-A. GRCh37 (hg19) VCF-style: chr17-7125512-G-A.
Other names: c.703G>A, p.Asp235Asn (NM_001033859.3); c.838G>A, p.Asp280Asn (NM_001270447.2); c.541G>A, p.Asp181Asn (NM_001270448.2); short protein forms D181N, D257N, D280N, D235N.
Identifiers: ClinVar variation 2167549 (VCV002167549.1), dbSNP rs1175371903, ClinGen allele CA397723648.
Genomic context (GRCh38, chr17:7,222,193, plus strand): 5'-CTGCTCCCCGTCCTCCACGCCCTGAATATCCCATTCTTCCACAGTAATGGGGGCCTAGCA[G>A]ACATCTTCACGGTCTTTGCCAAGACACCAGTTACAGATCCAGCCACAGGAGCCGTGAAGG-3'
Protein context (NP_000009.1, residues 247-267): KLWISNGGLA[Asp257Asn]IFTVFAKTPV

ClinVar aggregate classification (germline): Uncertain significance (1 of 4 stars; one submission).

Conditions:
Very long chain acyl-CoA dehydrogenase deficiency (ACADVLD). Also called: VLCAD Deficiency; Very Long-Chain Acyl-Coenzyme A Dehydrogenase Deficiency. Identifiers: Orphanet 26793, MedGen C3887523, MONDO:0008723, OMIM 201475.

Allele frequency attached by ClinVar (database versions not stated): gnomAD exomes below 0.00001.

Submission:

Labcorp Genetics (formerly Invitae), Labcorp
Classification: Uncertain significance for Very long chain acyl-CoA dehydrogenase deficiency. Last evaluated: 2021-12-23. Review status: criteria provided, single submitter. Criteria: Invitae Variant Classification Sherloc (09022015). Collection method: clinical testing. Allele origin: germline.
Comment: This sequence change replaces aspartic acid, which is acidic and polar, with asparagine, which is neutral and polar, at codon 257 of the ACADVL protein (p.Asp257Asn). This variant is present in population databases (no rsID available, gnomAD 0.0009%). This variant has not been reported in the literature in individuals affected with ACADVL-related conditions. Algorithms developed to predict the effect of missense changes on protein structure and function (SIFT, PolyPhen-2, Align-GVGD) all suggest that this variant is likely to be tolerated. In summary, the available evidence is currently insufficient to determine the role of this variant in disease. Therefore, it has been classified as a Variant of Uncertain Significance.